The following is an entry in ClinVar:

NM_000214.3(JAG1):c.283G>T (p.Gly95Cys)

Gene: JAG1 (jagged canonical Notch ligand 1; minus strand). Cytogenetic location: 20p12.2.
Variant type: single nucleotide variant.
Coding change: c.283G>T on transcript NM_000214.3 (MANE Select); coding-DNA position 283, G replaced by T.
Protein change: p.Gly95Cys; replaces glycine 95 with cysteine.
Molecular consequence: missense variant.
Genome position (GRCh38, 1-based): chr20:10,672,805, C>A on the plus strand (G>T on the coding strand, the complement: JAG1 is on the minus strand). VCF-style: chr20-10672805-C-A. GRCh37 (hg19) VCF-style: chr20-10653453-C-A.
Other names: short protein forms G95C.
Identifiers: ClinVar variation 3573438 (VCV003573438.2).
Genomic context (GRCh38, chr20:10,672,805, plus strand): 5'-TGCCGCGGCTGGCCTTGAGGTTGAAGGTGTTGCCCCCGATGACAGGCGTGGACCCTGAGC[C>A]GAAGCTGCAGGGCCCCCCGGCCGTGACGCGGGACTGATACTCCTTGAGGCACACTTTGAA-3'
Protein context (NP_000205.1, residues 85-105): RVTAGGPCSF[Gly95Cys]SGSTPVIGGN

Conditions:
Arteriohepatic dysplasia. Also called: Alagille Syndrome. Identifiers: Orphanet 52, MedGen C0085280, MeSH D016738, MONDO:0007318.

Submission:

Gilbert/Spinner Lab, Children's Hospital of Philadelphia
No classification provided (evidence only). Condition: Alagille syndrome. Review status: no classification provided. Collection method: research. Allele origin: not applicable. Functional consequence: functionally_abnormal.
ClinVar note: "not provided" was previously submitted as the classification for the variant. However, the classification appeared to be based only on an observation of functional data so it was converted to no classification on 2025-07-30.